The following is an entry in ClinVar:

NM_000182.5(HADHA):c.407C>G (p.Pro136Arg)

Gene: HADHA (hydroxyacyl-CoA dehydrogenase trifunctional multienzyme complex subunit alpha; minus strand). Cytogenetic location: 2p23.3.
Variant type: single nucleotide variant.
Coding change: c.407C>G on transcript NM_000182.5 (MANE Select); coding-DNA position 407, C replaced by G.
Protein change: p.Pro136Arg; replaces proline 136 with arginine.
Molecular consequence: missense variant.
Genome position (GRCh38, 1-based): chr2:26,234,263, G>C on the plus strand (C>G on the coding strand, the complement: HADHA is on the minus strand). VCF-style: chr2-26234263-G-C. GRCh37 (hg19) VCF-style: chr2-26457131-G-C.
Other names: p.P136R:CCT>CGT; short protein forms P136R.
Identifiers: ClinVar variation 203746 (VCV000203746.2), dbSNP rs796051972, ClinGen allele CA312584.

ClinVar aggregate classification (germline): Likely pathogenic (1 of 4 stars; one submission).

Allele frequency attached by ClinVar (database versions not stated): gnomAD exomes below 0.00001.
gnomAD v4.1: 1 of 1,613,010 alleles (0.000062%); highest among the groups gnomAD compares: South Asian, 0.0011%; no homozygotes.

Submission:

GeneDx
Classification: Likely pathogenic. Last evaluated: 2014-11-05. Review status: criteria provided, single submitter. Criteria: GeneDx Variant Classification (06012015). Collection method: clinical testing. Allele origin: germline. Affected: yes.
Comment: A variant that is likely pathogenic was identified in the HADHA gene. It has not been published as a mutation, nor has it been reported as a benign polymorphism to our knowledge. The P136R variant is a non-conservative amino acid substitution, which is likely to impact secondary protein structure as these residues differ in polarity, charge, size and/or other properties. This substitution occurs at a position that is conserved across species. In silico analysis predicts this variant is probably damaging to the protein structure/function. A missense mutation in a nearby residue (L130P) has been reported, supporting the functional importance of this region of the protein. Therefore, the P136R variant is a strong candidate for a pathogenic mutation, however the possibility that it is a benign variant cannot be excluded. The variant is found in FAO-MET panel(s).